The following is an entry in ClinVar:

NM_178839.5(LRRTM1):c.1207G>T (p.Asp403Tyr)

Genes: CTNNA2 (catenin alpha 2; plus strand), LRRTM1 (leucine rich repeat transmembrane neuronal 1; minus strand). Cytogenetic location: 2p12.
Variant type: single nucleotide variant.
Coding change: c.1207G>T on transcript NM_178839.5 (MANE Select); coding-DNA position 1207, G replaced by T.
Protein change: p.Asp403Tyr; replaces aspartic acid 403 with tyrosine.
Molecular consequence: missense variant. On other transcripts: intron variant (5).
Genome position (GRCh38, 1-based): chr2:80,302,613, C>A on the plus strand (G>T on the coding strand, the complement: LRRTM1 is on the minus strand). VCF-style: chr2-80302613-C-A. GRCh37 (hg19) VCF-style: chr2-80529738-C-A.
Other names: c.1057-90598C>A (NM_001399737.1, NM_001282597.3, NM_004389.4 and 1 more transcripts); c.1159-90598C>A (NM_001282598.2); short protein forms D403Y.
Identifiers: ClinVar variation 3239141 (VCV003239141.19), dbSNP rs146172396.

ClinVar aggregate classification (germline): Likely benign (1 of 4 stars; one submission).

Allele frequency attached by ClinVar (database versions not stated): gnomAD 0.00056; TOPMed 0.00080; ExAC 0.00138; 1000 Genomes Project 0.00359; 1000 Genomes Project 30x 0.00359.
gnomAD v4.1: 890 of 1,605,590 alleles (0.055%); highest among the groups gnomAD compares: East Asian, 1.3%; 12 homozygotes.

Submission:

CeGaT Center for Human Genetics Tuebingen
Classification: Likely benign. Last evaluated: 2026-07-01. Review status: criteria provided, single submitter. Criteria: CeGaT Center For Human Genetics Tuebingen Variant Classification Criteria Version 2. Collection method: clinical testing. Allele origin: germline. Affected: yes. Observed: 3 variant alleles.
Comment: LRRTM1: BS1